The following is an entry in ClinVar:

NM_001039141.3(TRIOBP):c.6575+96del

Gene: TRIOBP (TRIO and F-actin binding protein; plus strand). Cytogenetic location: 22q13.1.
Variant type: Deletion.
Coding change: c.6575+96del on transcript NM_001039141.3 (MANE Select); 96 bases into the intron after coding-DNA position 6575, one base deleted (T; older notation c.6575+96delT).
Molecular consequence: intron variant.
Genome position (GRCh38, 1-based): chr22:37,768,272, T deleted. VCF-style (leftmost placement, unchanged base first): chr22-37768271-CT-C. GRCh37 (hg19) VCF-style: chr22-38164278-CT-C.
Other names: c.1436+96del (NM_007032.5).
Identifiers: ClinVar variation 684141 (VCV000684141.1), dbSNP rs149147789, ClinGen allele CA324169281.

ClinVar aggregate classification (germline): Likely benign (1 of 4 stars; one submission).

Allele frequency attached by ClinVar (database versions not stated): gnomAD exomes 0.00076; gnomAD 0.00773 and 0.00829; TOPMed 0.00812; 1000 Genomes Project 0.00819; 1000 Genomes Project 30x 0.00874.

Submission:

GeneDx
Classification: Likely benign. Last evaluated: 2018-06-16. Review status: criteria provided, single submitter. Criteria: GeneDx Variant Classification (06012015). Collection method: clinical testing. Allele origin: germline. Affected: yes.
Comment: This variant is considered likely benign or benign based on one or more of the following criteria: it is a conservative change, it occurs at a poorly conserved position in the protein, it is predicted to be benign by multiple in silico algorithms, and/or has population frequency not consistent with disease.